The following is an entry in ClinVar:

NM_001161352.2(KCNMA1):c.237C>G (p.Cys79Trp)

Gene: KCNMA1 (potassium calcium-activated channel subfamily M alpha 1; minus strand). Cytogenetic location: 10q22.3.
Variant type: single nucleotide variant.
Coding change: c.237C>G on transcript NM_001161352.2 (MANE Select); coding-DNA position 237, C replaced by G.
Protein change: p.Cys79Trp; replaces cysteine 79 with tryptophan.
Molecular consequence: missense variant.
Genome position (GRCh38, 1-based): chr10:77,637,406, G>C on the plus strand (C>G on the coding strand, the complement: KCNMA1 is on the minus strand). VCF-style: chr10-77637406-G-C. GRCh37 (hg19) VCF-style: chr10-79397164-G-C.
Other names: c.237C>G, p.Cys79Trp (NM_001014797.3, NM_001161353.2, NM_001271518.2 and 12 more transcripts); short protein forms C79W.
Identifiers: ClinVar variation 1312261 (VCV001312261.3), dbSNP rs2154572129, ClinGen allele CA377412480.

ClinVar aggregate classification (germline): Uncertain significance (1 of 4 stars; one submission).

Submission:

GeneDx
Classification: Uncertain significance. Last evaluated: 2022-02-15. Review status: criteria provided, single submitter. Criteria: GeneDx Variant Classification Process June 2021. Collection method: clinical testing. Allele origin: germline. Affected: yes.
Comment: Not observed at significant frequency in large population cohorts (gnomAD); In silico analysis supports that this missense variant has a deleterious effect on protein structure/function; Has not been previously published as pathogenic or benign to our knowledge